The following is an entry in ClinVar:

NM_006208.3(ENPP1):c.522C>G (p.Gly174=)

Gene: ENPP1 (ectonucleotide pyrophosphatase/phosphodiesterase 1; plus strand). Cytogenetic location: 6q23.2.
Variant type: single nucleotide variant.
Coding change: c.522C>G on transcript NM_006208.3 (MANE Select); coding-DNA position 522, C replaced by G.
Protein change: p.Gly174=; no amino-acid change (glycine 174 retained).
Molecular consequence: synonymous variant.
Genome position (GRCh38, 1-based): chr6:131,851,233, C>G. VCF-style: chr6-131851233-C-G. GRCh37 (hg19) VCF-style: chr6-132172373-C-G.
Identifiers: ClinVar variation 3902417 (VCV003902417.3).

ClinVar aggregate classification (germline): Likely benign. Review status: criteria provided, multiple submitters, no conflicts (2 of 4 stars). 3 submissions from 3 submitters: Likely benign (3). Last evaluated 2025-10-29.

gnomAD v4.1: 118 of 1,613,944 alleles (0.0073%); highest among the groups gnomAD compares: Non-Finnish European, 0.0095%; no homozygotes.

Submissions (3):

Labcorp Genetics (formerly Invitae), Labcorp
Classification: Likely benign. Last evaluated: 2025-10-29. Review status: criteria provided, single submitter. Criteria: Invitae Variant Classification Sherloc (09022015). Collection method: clinical testing. Allele origin: germline.

Women's Health and Genetics/Laboratory Corporation of America, LabCorp
Classification: Likely benign. Last evaluated: 2025-05-08. Review status: criteria provided, single submitter. Criteria: LabCorp Variant Classification Summary - May 2015. Collection method: clinical testing. Allele origin: germline.
Comment: Variant summary: ENPP1 c.522C>G alters a conserved nucleotide resulting in a synonymous change. Consensus agreement among computation tools predict no significant impact on normal splicing. However, these predictions have yet to be confirmed by functional studies. The variant allele was found at a frequency of 4.4e-05 in 251198 control chromosomes. This frequency is not significantly higher than estimated for a pathogenic variant in ENPP1 causing ENPP1-Related Disorders, allowing no conclusion about variant significance. To our knowledge, no occurrence of c.522C>G in individuals affected with ENPP1-Related Disorders and no experimental evidence demonstrating its impact on protein function have been reported. No submitters have cited clinical-significance assessments for this variant to ClinVar. Based on the evidence outlined above, the variant was classified as likely benign.

Blueprint Genetics
Classification: Likely benign. Last evaluated: 2024-09-11. Review status: criteria provided, single submitter. Criteria: ACMG Guidelines, 2015. Collection method: clinical testing. Allele origin: germline.